The following is an entry in ClinVar:

ClinVar aggregate classification (germline): Uncertain significance. Review status: criteria provided, multiple submitters, no conflicts (2 of 4 stars). 4 submissions from 4 submitters: Uncertain significance (3). 1 of the submissions does not count toward it. Last evaluated 2024-11-07.

Conditions:
Inborn genetic diseases. Identifiers: MedGen C0950123, MeSH D030342.
CACNA1A-related disorder. Also called: CACNA1A-related condition.
Developmental and epileptic encephalopathy, 42 (DEE42A). Also called: DEVELOPMENTAL AND EPILEPTIC ENCEPHALOPATHY 42A; EPILEPTIC ENCEPHALOPATHY, EARLY INFANTILE, 42A; Epileptic encephalopathy, early infantile, 42. Identifiers: MedGen C4310716, MONDO:0014917, OMIM 617106.
Episodic ataxia type 2 (EA2). Also called: ACETAZOLAMIDE-RESPONSIVE HEREDITARY PAROXYSMAL CEREBELLAR ATAXIA; ATAXIA, EPISODIC, WITH NYSTAGMUS; ATAXIA, FAMILIAL PAROXYSMAL; CEREBELLAR ATAXIA, PAROXYSMAL, ACETAZOLAMIDE-RESPONSIVE; CEREBELLOPATHY, HEREDITARY PAROXYSMAL; EPISODIC ATAXIA, NYSTAGMUS-ASSOCIATED. Identifiers: Orphanet 97, MedGen C1720416, MONDO:0007163, OMIM 108500.

Allele frequency attached by ClinVar (database versions not stated): TOPMed below 0.00001.

Submissions (4):

Labcorp Genetics (formerly Invitae), Labcorp
Classification: Uncertain significance for Developmental and epileptic encephalopathy, 42; Episodic ataxia type 2. Last evaluated: 2024-11-07. Review status: criteria provided, single submitter. Criteria: Invitae Variant Classification Sherloc (09022015). Collection method: clinical testing. Allele origin: germline.
Comment: This sequence change replaces methionine, which is neutral and non-polar, with leucine, which is neutral and non-polar, at codon 2122 of the CACNA1A protein (p.Met2122Leu). This variant is not present in population databases (gnomAD no frequency). This missense change has been observed in individual(s) with clinical features for CACNA1A-related conditions (internal data). ClinVar contains an entry for this variant (Variation ID: 476269). Invitae Evidence Modeling of protein sequence and biophysical properties (such as structural, functional, and spatial information, amino acid conservation, physicochemical variation, residue mobility, and thermodynamic stability) indicates that this missense variant is not expected to disrupt CACNA1A protein function with a negative predictive value of 95%. In summary, the available evidence is currently insufficient to determine the role of this variant in disease. Therefore, it has been classified as a Variant of Uncertain Significance.

GeneDx
Classification: Uncertain significance. Last evaluated: 2024-02-28. Review status: criteria provided, single submitter. Criteria: GeneDx Variant Classification Process June 2021. Collection method: clinical testing. Allele origin: germline. Affected: yes.
Comment: Not observed at significant frequency in large population cohorts (gnomAD); In silico analysis supports that this missense variant has a deleterious effect on protein structure/function; Has not been previously published as pathogenic or benign to our knowledge

Ambry Genetics
Classification: Uncertain significance for Inborn genetic diseases. Last evaluated: 2023-08-02. Review status: criteria provided, single submitter. Criteria: Ambry Variant Classification Scheme 2023. Collection method: clinical testing. Allele origin: germline.

PreventionGenetics, part of Exact Sciences
Classification: Uncertain significance for CACNA1A-related condition. Last evaluated: 2024-07-11. Review status: no assertion criteria provided. Collection method: clinical testing. Allele origin: germline. Not counted in ClinVar's aggregate classification.
Comment: The CACNA1A c.6361A>T variant is predicted to result in the amino acid substitution p.Met2121Leu. To our knowledge, this variant has not been reported in the literature or in a large population database, indicating this variant is rare. At this time, the clinical significance of this variant is uncertain due to the absence of conclusive functional and genetic evidence.

NM_001127222.2(CACNA1A):c.6361A>T (p.Met2121Leu)

Gene: CACNA1A (calcium voltage-gated channel subunit alpha1 A; minus strand). Cytogenetic location: 19p13.13.
Variant type: single nucleotide variant.
Coding change: c.6361A>T on transcript NM_001127222.2 (MANE Select); coding-DNA position 6361, A replaced by T.
Protein change: p.Met2121Leu; replaces methionine 2121 with leucine.
Molecular consequence: missense variant.
Genome position (GRCh38, 1-based): chr19:13,209,477, T>A on the plus strand (A>T on the coding strand, the complement: CACNA1A is on the minus strand). VCF-style: chr19-13209477-T-A. GRCh37 (hg19) VCF-style: chr19-13320291-T-A.
Other names: c.6379A>T, p.Met2127Leu (NM_000068.4, NM_023035.3); c.6364A>T, p.Met2122Leu (NM_001127221.2); c.6370A>T, p.Met2124Leu (NM_001174080.2); c.6361A>T (NM_001127222.1); short protein forms M2122L, M2121L, M2124L, M2127L.
Identifiers: ClinVar variation 476269 (VCV000476269.12), dbSNP rs1317004203, ClinGen allele CA404331130.